The following is an entry in ClinVar:

ClinVar aggregate classification (germline): Likely benign (1 of 4 stars; one submission).

Submission:

CeGaT Center for Human Genetics Tuebingen
Classification: Likely benign. Last evaluated: 2025-09-01. Review status: criteria provided, single submitter. Criteria: CeGaT Center For Human Genetics Tuebingen Variant Classification Criteria Version 2. Collection method: clinical testing. Allele origin: germline. Affected: yes. Observed: 1 variant allele.
Comment: FMN2: BP4, BP7

NM_020066.5(FMN2):c.2901T>A (p.Pro967=)

Gene: FMN2 (formin 2; plus strand). Cytogenetic location: 1q43.
Variant type: single nucleotide variant.
Coding change: c.2901T>A on transcript NM_020066.5 (MANE Select); coding-DNA position 2901, T replaced by A.
Protein change: p.Pro967=; no amino-acid change (proline 967 retained).
Molecular consequence: synonymous variant. On other transcripts: intron variant (1).
Genome position (GRCh38, 1-based): chr1:240,207,713, T>A. VCF-style: chr1-240207713-T-A. GRCh37 (hg19) VCF-style: chr1-240371013-T-A.
Other names: c.2913T>A, p.Pro971= (NM_001305424.2); c.1986+19451T>A (NM_001348094.2).
Identifiers: ClinVar variation 4280841 (VCV004280841.7).